The following is an entry in ClinVar:

ClinVar aggregate classification (germline): Benign (1 of 4 stars; one submission).

Allele frequency attached by ClinVar (database versions not stated): TOPMed 0.27396; gnomAD 0.27577 and 0.27686; 1000 Genomes Project 30x 0.24188; 1000 Genomes Project 0.24421.
gnomAD v4.1: 42,334 of 152,118 alleles (28%); highest among the groups gnomAD compares: Middle Eastern, 38%; 6,475 homozygotes.

Submission:

GeneDx
Classification: Benign. Last evaluated: 2018-06-14. Review status: criteria provided, single submitter. Criteria: GeneDx Variant Classification (06012015). Collection method: clinical testing. Allele origin: germline. Affected: yes.
Comment: This variant is considered likely benign or benign based on one or more of the following criteria: it is a conservative change, it occurs at a poorly conserved position in the protein, it is predicted to be benign by multiple in silico algorithms, and/or has population frequency not consistent with disease.

NM_003289.4(TPM2):c.773-235G>C

Gene: TPM2 (tropomyosin 2; minus strand). Cytogenetic location: 9p13.3.
Variant type: single nucleotide variant.
Coding change: c.773-235G>C on transcript NM_003289.4 (MANE Select); 235 bases into the intron before coding-DNA position 773, G replaced by C.
Molecular consequence: intron variant.
Genome position (GRCh38, 1-based): chr9:35,683,476, C>G on the plus strand (G>C on the coding strand, the complement: TPM2 is on the minus strand). VCF-style: chr9-35683476-C-G. GRCh37 (hg19) VCF-style: chr9-35683473-C-G.
Other names: c.772+770G>C (NM_213674.1, NM_001301226.2); c.773-235G>C (NM_001301227.2).
Identifiers: ClinVar variation 670798 (VCV000670798.1), dbSNP rs2789750, ClinGen allele CA13010899.